The following is an entry in ClinVar:

NM_001282225.2(ADA2):c.1271A>G (p.His424Arg)

Gene: ADA2 (adenosine deaminase 2; minus strand). Cytogenetic location: 22q11.1.
Variant type: single nucleotide variant.
Coding change: c.1271A>G on transcript NM_001282225.2 (MANE Select); coding-DNA position 1271, A replaced by G.
Protein change: p.His424Arg; replaces histidine 424 with arginine.
Molecular consequence: missense variant.
Genome position (GRCh38, 1-based): chr22:17,181,991, T>C on the plus strand (A>G on the coding strand, the complement: ADA2 is on the minus strand). VCF-style: chr22-17181991-T-C. GRCh37 (hg19) VCF-style: chr22-17662881-T-C.
Other names: c.1271A>G, p.His424Arg (NM_001282226.2); c.1145A>G, p.His382Arg (NM_001282227.2, NM_001282228.2); c.911A>G, p.His304Arg (NM_001282229.2); c.548A>G, p.His183Arg (NM_177405.3); short protein forms H183R, H304R, H382R, H424R.
Identifiers: ClinVar variation 2030042 (VCV002030042.4), dbSNP rs77708308, ClinGen allele CA410231975.
Genomic context (GRCh38, chr22:17,181,991, plus strand): 5'-GCTGGGTCATCAGAGCTGATCACCATGGGGTGCCCAGTGGCCATCAGAGTGGCTACAGGG[T>C]GGTTCCTCAAGTCAGACACCAGTTTCAGCACCTGCGCAATAGGAGGGAAGGGAGAAAGAT-3'
Protein context (NP_001269154.1, residues 414-434): VLKLVSDLRN[His424Arg]PVATLMATGH

ClinVar aggregate classification (germline): Uncertain significance (1 of 4 stars; one submission).

Conditions:
Deficiency of adenosine deaminase 2. Also called: Adenosine Deaminase 2 Deficiency; VASCULITIS, AUTOINFLAMMATION, IMMUNODEFICIENCY, AND HEMATOLOGIC DEFECTS SYNDROME; Polyarteritis nodosa, childhoood-onset. Identifiers: Orphanet 404553, MedGen C3887654, MONDO:0014306, OMIM 615688, MONDO:0100317.

Submission:

Labcorp Genetics (formerly Invitae), Labcorp
Classification: Uncertain significance for Deficiency of adenosine deaminase 2. Last evaluated: 2022-10-11. Review status: criteria provided, single submitter. Criteria: Invitae Variant Classification Sherloc (09022015). Collection method: clinical testing. Allele origin: germline.
Comment: In summary, the available evidence is currently insufficient to determine the role of this variant in disease. Therefore, it has been classified as a Variant of Uncertain Significance. Advanced modeling of protein sequence and biophysical properties (such as structural, functional, and spatial information, amino acid conservation, physicochemical variation, residue mobility, and thermodynamic stability) performed at Invitae indicates that this missense variant is expected to disrupt ADA2 protein function. This variant has not been reported in the literature in individuals affected with ADA2-related conditions. This variant is not present in population databases (gnomAD no frequency). This sequence change replaces histidine, which is basic and polar, with arginine, which is basic and polar, at codon 424 of the ADA2 protein (p.His424Arg).